The following is an entry in ClinVar:

NM_002471.4(MYH6):c.4884G>T (p.Glu1628Asp)

Genes: MYH6 (myosin heavy chain 6; minus strand), LOC126861896 (BRD4-independent group 4 enhancer GRCh37_chr14:23854904-23856103; plus strand). Cytogenetic location: 14q11.2.
Variant type: single nucleotide variant.
Coding change: c.4884G>T on transcript NM_002471.4 (MANE Select); coding-DNA position 4884, G replaced by T.
Protein change: p.Glu1628Asp; replaces glutamic acid 1628 with aspartic acid.
Molecular consequence: missense variant.
Genome position (GRCh38, 1-based): chr14:23,386,390, C>A on the plus strand (G>T on the coding strand, the complement: MYH6 is on the minus strand). VCF-style: chr14-23386390-C-A. GRCh37 (hg19) VCF-style: chr14-23855599-C-A.
Other names: short protein forms E1628D.
Identifiers: ClinVar variation 1011296 (VCV001011296.9), dbSNP rs1891022943, ClinGen allele CA388991336.
Genomic context (GRCh38, chr14:23,386,390, plus strand): 5'-GAGGCTCTTGACTTGCTTCTGGGCCTCGGCAGCCATGCGGTTGGCGTGGCTGAGCTGGAT[C>A]TCCATCTCATTGAGGTCTCCTTCCATCTTCTTCTTCACCCTCAGGACCTCGTTGCGGCTG-3'
Protein context (NP_002462.2, residues 1618-1638): KKMEGDLNEM[Glu1628Asp]IQLSHANRMA

ClinVar aggregate classification (germline): Uncertain significance (1 of 4 stars; one submission).

Conditions:
Hypertrophic cardiomyopathy 14. Identifiers: MedGen C2750467, MONDO:0013197, OMIM 613251.

Submission:

Labcorp Genetics (formerly Invitae), Labcorp
Classification: Uncertain significance for Hypertrophic cardiomyopathy 14. Last evaluated: 2020-10-18. Review status: criteria provided, single submitter. Criteria: Invitae Variant Classification Sherloc (09022015). Collection method: clinical testing. Allele origin: germline.
Comment: This sequence change replaces glutamic acid with aspartic acid at codon 1628 of the MYH6 protein (p.Glu1628Asp). The glutamic acid residue is moderately conserved and there is a small physicochemical difference between glutamic acid and aspartic acid. This variant is not present in population databases (ExAC no frequency). This variant has not been reported in the literature in individuals with MYH6-related conditions. Algorithms developed to predict the effect of missense changes on protein structure and function are either unavailable or do not agree on the potential impact of this missense change (SIFT: "Tolerated"; PolyPhen-2: "Probably Damaging"; Align-GVGD: "Class C0"). In summary, the available evidence is currently insufficient to determine the role of this variant in disease. Therefore, it has been classified as a Variant of Uncertain Significance.